The following is an entry in ClinVar:

NM_001351132.2(PEX5):c.1778G>A (p.Arg593Gln)

Gene: PEX5 (peroxisomal biogenesis factor 5; plus strand). Cytogenetic location: 12p13.31.
Variant type: single nucleotide variant.
Coding change: c.1778G>A on transcript NM_001351132.2 (MANE Select); coding-DNA position 1778, G replaced by A.
Protein change: p.Arg593Gln; replaces arginine 593 with glutamine.
Molecular consequence: missense variant.
Genome position (GRCh38, 1-based): chr12:7,210,081, G>A. VCF-style: chr12-7210081-G-A. GRCh37 (hg19) VCF-style: chr12-7362677-G-A.
Other names: c.1754G>A, p.Arg585Gln (NM_000319.5); c.1823G>A, p.Arg608Gln (NM_001131023.2); c.1667G>A, p.Arg556Gln (NM_001131024.2, NM_001351124.3, NM_001351126.2 and 7 more transcripts); c.1778G>A, p.Arg593Gln (NM_001131025.2, NM_001131026.2, NM_001300789.3 and 4 more transcripts); c.1712G>A, p.Arg571Gln (NM_001351135.3, NM_001351138.2); c.1769G>A, p.Arg590Gln (NM_001351136.2); c.1643G>A, p.Arg548Gln (NM_001351139.2, NM_001351140.2, NM_001374649.2); short protein forms R548Q, R556Q, R571Q, R585Q, R590Q, R593Q, R608Q.
Identifiers: ClinVar variation 3348541 (VCV003348541.3).

ClinVar aggregate classification (germline): Uncertain significance. Review status: criteria provided, multiple submitters, no conflicts (2 of 4 stars). 2 submissions from 2 submitters: Uncertain significance (2). Last evaluated 2025-06-12.

Conditions:
Inborn genetic diseases. Identifiers: MedGen C0950123, MeSH D030342.
PEX5-related disorder. Also called: PEX5-Related Disorders; PEX5-related condition.

gnomAD v4.1: 40 of 1,614,104 alleles (0.0025%); highest among the groups gnomAD compares: South Asian, 0.037%; no homozygotes.

Submissions (2):

Ambry Genetics
Classification: Uncertain significance for Inborn genetic diseases. Last evaluated: 2025-06-12. Review status: criteria provided, single submitter. Criteria: Ambry Variant Classification Scheme 2023. Collection method: clinical testing. Allele origin: germline.

PreventionGenetics, part of Exact Sciences
Classification: Uncertain significance for PEX5-related condition. Last evaluated: 2025-02-24. Review status: criteria provided, single submitter. Criteria: ACMG Guidelines, 2015. Collection method: clinical testing. Allele origin: germline.
Comment: The PEX5 c.1778G>A variant is predicted to result in the amino acid substitution p.Arg593Gln. To our knowledge, this variant has not been reported in the literature. This variant is reported in 0.039% of alleles in individuals of South Asian descent in gnomAD. At this time, the clinical significance of this variant is uncertain due to the absence of conclusive functional and genetic evidence.